The following is an entry in ClinVar:

NC_000003.11:g.(?_12645615)_(12660220_?)dup

Gene: RAF1 (Raf-1 proto-oncogene, serine/threonine kinase; minus strand). Cytogenetic location: 3p25.2.
Variant type: Duplication.
Identifiers: ClinVar variation 2424563 (VCV002424563.4).

ClinVar aggregate classification (germline): Uncertain significance (1 of 4 stars; one submission).

Conditions:
RASopathy. Also called: Noonan spectrum disorder; rasopathies. Identifiers: Orphanet 536391, MedGen C5555857, MONDO:0021060.

Submission:

Labcorp Genetics (formerly Invitae), Labcorp
Classification: Uncertain significance for RASopathy. Last evaluated: 2022-10-07. Review status: criteria provided, single submitter. Criteria: Invitae Variant Classification Sherloc (09022015). Collection method: clinical testing. Allele origin: germline.
Comment: In summary, the available evidence is currently insufficient to determine the role of this variant in disease. Therefore, it has been classified as a Variant of Uncertain Significance. This variant has not been reported in the literature in individuals affected with RAF1-related conditions. This variant results in a copy number gain of the genomic region encompassing exon(s) 2-7 of the RAF1 gene. This region includes the initiator codon of the gene. This copy number gain extends beyond the assayed region for this gene and therefore may encompass additional genes. As the precise location of this event is unknown, it may be in tandem or it may be located elsewhere in the genome.